The following is an entry in ClinVar:

ClinVar aggregate classification (germline): Uncertain significance (0 of 4 stars; one submission).

Conditions:
KSR2-related disorder. Also called: KSR2-related condition.

Allele frequency attached by ClinVar (database versions not stated): gnomAD exomes 0.00001; TOPMed 0.00002; ExAC 0.00003; gnomAD 0.00003.
gnomAD v4.1: 25 of 1,613,282 alleles (0.0015%); highest among the groups gnomAD compares: East Asian, 0.011%; no homozygotes.

Submission:

PreventionGenetics, part of Exact Sciences
Classification: Uncertain significance for KSR2-related condition. Last evaluated: 2023-11-11. Review status: no assertion criteria provided. Collection method: clinical testing. Allele origin: germline.
Comment: The KSR2 c.1658C>T variant is predicted to result in the amino acid substitution p.Pro553Leu. To our knowledge, this variant has not been reported in the literature. This variant is reported in 0.0066% of alleles in individuals of South Asian descent in gnomAD. At this time, the clinical significance of this variant is uncertain due to the absence of conclusive functional and genetic evidence.

NM_173598.6(KSR2):c.1745C>T (p.Pro582Leu)

Gene: KSR2 (kinase suppressor of ras 2; minus strand). Cytogenetic location: 12q24.22.
Variant type: single nucleotide variant.
Coding change: c.1745C>T on transcript NM_173598.6 (MANE Select); coding-DNA position 1745, C replaced by T.
Protein change: p.Pro582Leu; replaces proline 582 with leucine.
Molecular consequence: missense variant.
Genome position (GRCh38, 1-based): chr12:117,530,998, G>A on the plus strand (C>T on the coding strand, the complement: KSR2 is on the minus strand). VCF-style: chr12-117530998-G-A. GRCh37 (hg19) VCF-style: chr12-117968803-G-A.
Other names: short protein forms P582L.
Identifiers: ClinVar variation 2637187 (VCV002637187.3), dbSNP rs751356379, ClinGen allele CA6815921.